The following is an entry in ClinVar:

NM_020706.2(SCAF4):c.1372C>T (p.Arg458Trp)

Gene: SCAF4 (SR-related CTD associated factor 4; minus strand). Cytogenetic location: 21q22.11.
Variant type: single nucleotide variant.
Coding change: c.1372C>T on transcript NM_020706.2 (MANE Select); coding-DNA position 1372, C replaced by T.
Protein change: p.Arg458Trp; replaces arginine 458 with tryptophan.
Molecular consequence: missense variant.
Genome position (GRCh38, 1-based): chr21:31,693,435, G>A on the plus strand (C>T on the coding strand, the complement: SCAF4 is on the minus strand). VCF-style: chr21-31693435-G-A. GRCh37 (hg19) VCF-style: chr21-33065748-G-A.
Other names: c.1327C>T, p.Arg443Trp (NM_001145444.1); c.1372C>T, p.Arg458Trp (NM_001145445.1); short protein forms R443W, R458W.
Identifiers: ClinVar variation 2430991 (VCV002430991.1), dbSNP rs1280277365, ClinGen allele CA410047635.
Genomic context (GRCh38, chr21:31,693,435, plus strand): 5'-ATCGAGATCGGGGAGAATGTCGGCGTCTATCCCTGGACCGAGATCGAGAACGTCGATGCC[G>A]AGACCTTCGAGATCTAGAACCAGATCTAGATCGCCTCCTTTTTGGTGACCTAATGTTTTC-3'
Protein context (NP_065757.1, residues 448-468): SRSGSRSRRS[Arg458Trp]HRRSRSRSRD

ClinVar aggregate classification (germline): Uncertain significance (1 of 4 stars; one submission).

Allele frequency attached by ClinVar (database versions not stated): gnomAD exomes below 0.00001; gnomAD 0.00001.
gnomAD v4.1: 2 of 1,552,886 alleles (0.00013%); highest among the groups gnomAD compares: South Asian, 0.0012%; no homozygotes.

Submission:

GeneDx
Classification: Uncertain significance. Last evaluated: 2022-08-16. Review status: criteria provided, single submitter. Criteria: GeneDx Variant Classification Process June 2021. Collection method: clinical testing. Allele origin: germline. Affected: yes.
Comment: In silico analysis supports that this missense variant has a deleterious effect on protein structure/function; Has not been previously published as pathogenic or benign to our knowledge